The following is an entry in ClinVar:

ClinVar aggregate classification (germline): Conflicting classifications of pathogenicity. Review status: criteria provided, conflicting classifications (1 of 4 stars). 6 submissions from 6 submitters: Uncertain significance (4); Benign (1). 1 of the submissions does not count toward it. Last evaluated 2025-09-25.

Conditions:
PIEZO1-related disorder. Also called: PIEZO1-related condition; PIEZO1-Related Disorders.
Inborn genetic diseases. Identifiers: MedGen C0950123, MeSH D030342.

Allele frequency attached by ClinVar (database versions not stated): gnomAD 0.00007; TOPMed 0.00009; gnomAD exomes 0.00010; ExAC 0.00016.
gnomAD v4.1: 152 of 1,550,112 alleles (0.0098%); highest among the groups gnomAD compares: Middle Eastern, 0.017%; no homozygotes.

Submissions (6):

Labcorp Genetics (formerly Invitae), Labcorp
Classification: Benign. Last evaluated: 2025-09-25. Review status: criteria provided, single submitter. Criteria: Invitae Variant Classification Sherloc (09022015). Collection method: clinical testing. Allele origin: germline.

Mayo Clinic Laboratories, Mayo Clinic
Classification: Uncertain significance. Last evaluated: 2024-11-19. Review status: criteria provided, single submitter. Criteria: ACMG Guidelines, 2015. Collection method: clinical testing. Allele origin: germline. Observed: 1 variant allele.
Comment: BP4, PM2_supporting

CeGaT Center for Human Genetics Tuebingen
Classification: Uncertain significance. Last evaluated: 2024-09-01. Review status: criteria provided, single submitter. Criteria: CeGaT Center For Human Genetics Tuebingen Variant Classification Criteria Version 2. Collection method: clinical testing. Allele origin: germline. Affected: yes. Observed: 3 variant alleles.
Comment: PIEZO1: PM2:Supporting, BP4

Revvity Omics, Revvity
Classification: Uncertain significance. Last evaluated: 2024-06-18. Review status: criteria provided, single submitter. Criteria: ACMG Guidelines, 2015. Collection method: clinical testing. Allele origin: germline.

Ambry Genetics
Classification: Uncertain significance for Inborn genetic diseases. Last evaluated: 2021-07-20. Review status: criteria provided, single submitter. Criteria: Ambry Variant Classification Scheme 2023. Collection method: clinical testing. Allele origin: germline.

PreventionGenetics, part of Exact Sciences
Classification: Uncertain significance for PIEZO1-related condition. Last evaluated: 2024-01-28. Review status: no assertion criteria provided. Collection method: clinical testing. Allele origin: germline. Not counted in ClinVar's aggregate classification.
Comment: The PIEZO1 c.3632G>A variant is predicted to result in the amino acid substitution p.Arg1211His. To our knowledge, this variant has not been reported in the literature. This variant is reported in 0.017% of alleles in individuals of European (Non-Finnish) descent in gnomAD. At this time, the clinical significance of this variant is uncertain due to the absence of conclusive functional and genetic evidence.

NM_001142864.4(PIEZO1):c.3632G>A (p.Arg1211His)

Gene: PIEZO1 (piezo type mechanosensitive ion channel component 1 (Er blood group); minus strand). Cytogenetic location: 16q24.3.
Variant type: single nucleotide variant.
Coding change: c.3632G>A on transcript NM_001142864.4 (MANE Select); coding-DNA position 3632, G replaced by A.
Protein change: p.Arg1211His; replaces arginine 1211 with histidine.
Molecular consequence: missense variant.
Genome position (GRCh38, 1-based): chr16:88,726,782, C>T on the plus strand (G>A on the coding strand, the complement: PIEZO1 is on the minus strand). VCF-style: chr16-88726782-C-T. GRCh37 (hg19) VCF-style: chr16-88793190-C-T.
Other names: p.Arg1211His; c.2174G>A, p.Arg725His (NM_014745.1); c.3632G>A (NM_001142864.3); short protein forms R1211H, R725H.
Identifiers: ClinVar variation 2378596 (VCV002378596.31), dbSNP rs766820906, ClinGen allele CA8232437.